The following is an entry in ClinVar:

ClinVar aggregate classification (germline): Uncertain significance (1 of 4 stars; one submission).

Submission:

Labcorp Genetics (formerly Invitae), Labcorp
Classification: Uncertain significance. Last evaluated: 2024-09-06. Review status: criteria provided, single submitter. Criteria: Invitae Variant Classification Sherloc (09022015). Collection method: clinical testing. Allele origin: germline.
Comment: This sequence change replaces valine, which is neutral and non-polar, with leucine, which is neutral and non-polar, at codon 354 of the ADGRA3 protein (p.Val354Leu). This variant is not present in population databases (gnomAD no frequency). This variant has not been reported in the literature in individuals affected with ADGRA3-related conditions. An algorithm developed to predict the effect of missense changes on protein structure and function (PolyPhen-2) suggests that this variant is likely to be tolerated. Algorithms developed to predict the effect of sequence changes on RNA splicing suggest that this variant may create or strengthen a splice site. In summary, the available evidence is currently insufficient to determine the role of this variant in disease. Therefore, it has been classified as a Variant of Uncertain Significance.

NM_145290.4(ADGRA3):c.1060G>T (p.Val354Leu)

Gene: ADGRA3 (adhesion G protein-coupled receptor A3; minus strand). Cytogenetic location: 4p15.2.
Variant type: single nucleotide variant.
Coding change: c.1060G>T on transcript NM_145290.4 (MANE Select); coding-DNA position 1060, G replaced by T.
Protein change: p.Val354Leu; replaces valine 354 with leucine.
Molecular consequence: missense variant.
Genome position (GRCh38, 1-based): chr4:22,438,281, C>A on the plus strand (G>T on the coding strand, the complement: ADGRA3 is on the minus strand). VCF-style: chr4-22438281-C-A. GRCh37 (hg19) VCF-style: chr4-22439904-C-A.
Other names: short protein forms V354L.
Identifiers: ClinVar variation 3680430 (VCV003680430.2).